The following is an entry in ClinVar:

NM_152419.3(HGSNAT):c.409C>T (p.Leu137Phe)

Gene: HGSNAT (heparan-alpha-glucosaminide N-acetyltransferase; plus strand). Cytogenetic location: 8p11.21.
Variant type: single nucleotide variant.
Coding change: c.409C>T on transcript NM_152419.3 (MANE Select); coding-DNA position 409, C replaced by T.
Protein change: p.Leu137Phe; replaces leucine 137 with phenylalanine.
Molecular consequence: missense variant. On other transcripts: 5 prime UTR variant (1).
Genome position (GRCh38, 1-based): chr8:43,158,960, C>T. VCF-style: chr8-43158960-C-T. GRCh37 (hg19) VCF-style: chr8-43014103-C-T.
Other names: c.409C>T, p.Leu137Phe (NM_001363227.2, NM_001363228.2); c.-425C>T (NM_001363229.2); short protein forms L137F.
Identifiers: ClinVar variation 1058329 (VCV001058329.2), dbSNP rs773170952, ClinGen allele CA371125408.
Genomic context (GRCh38, chr8:43,158,960, plus strand): 5'-TTAATTTTACCTAATGTTTGTAGGTTGGAATACAGATTTGGAGAATTTGGAAACTATTCT[C>T]TCTTGGTAAAGAACATCCATAATGGAGTTAGTGAAATTGCCTGTGACCTGGCTGTGAACG-3'
Protein context (NP_689632.2, residues 127-147): YRFGEFGNYS[Leu137Phe]LVKNIHNGVS

ClinVar aggregate classification (germline): Uncertain significance (1 of 4 stars; one submission).

Conditions:
Mucopolysaccharidosis, MPS-III-C (MPS3C). Also called: MPS IIIC (Sanfilippo Syndrome Type C); MUCOPOLYSACCHARIDOSIS, TYPE IIIC; Mucopolysaccharidosis type IIIC (Sanfilippo C); mucopolysaccharidosis type 3C; SANFILIPPO SYNDROME C; MPS III C. Identifiers: Orphanet 581, Orphanet 79271, MedGen C0086649, MONDO:0009657, OMIM 252930.
Retinitis pigmentosa 73 (RP73). Identifiers: Orphanet 791, MedGen C4225287, MONDO:0014687, OMIM 616544.

Allele frequency attached by ClinVar (database versions not stated): gnomAD exomes below 0.00001.
gnomAD v4.1: 1 of 1,612,694 alleles (0.000062%); highest among the groups gnomAD compares: South Asian, 0.0011%; no homozygotes.

Submission:

Labcorp Genetics (formerly Invitae), Labcorp
Classification: Uncertain significance for Retinitis pigmentosa 73; Mucopolysaccharidosis, MPS-III-C. Last evaluated: 2022-08-23. Review status: criteria provided, single submitter. Criteria: Invitae Variant Classification Sherloc (09022015). Collection method: clinical testing. Allele origin: germline.
Comment: This sequence change replaces leucine, which is neutral and non-polar, with phenylalanine, which is neutral and non-polar, at codon 137 of the HGSNAT protein (p.Leu137Phe). This variant is not present in population databases (gnomAD no frequency). This variant has not been reported in the literature in individuals affected with HGSNAT-related conditions. ClinVar contains an entry for this variant (Variation ID: 1058329). Advanced modeling of protein sequence and biophysical properties (such as structural, functional, and spatial information, amino acid conservation, physicochemical variation, residue mobility, and thermodynamic stability) performed at Invitae indicates that this missense variant is not expected to disrupt HGSNAT protein function. In summary, the available evidence is currently insufficient to determine the role of this variant in disease. Therefore, it has been classified as a Variant of Uncertain Significance.